The following is an entry in ClinVar:

NM_016203.4(PRKAG2):c.1006-9dup

Gene: PRKAG2 (protein kinase AMP-activated non-catalytic subunit gamma 2; minus strand). Cytogenetic location: 7q36.1.
Variant type: Duplication.
Coding change: c.1006-9dup on transcript NM_016203.4 (MANE Select); 9 bases into the intron before coding-DNA position 1006, one base duplicated (T; older notation c.1006-9dupT).
Molecular consequence: intron variant.
Genome position (GRCh38, 1-based): chr7:151,572,718, A duplicated on the plus strand (T on the coding strand, the reverse complement: PRKAG2 is on the minus strand); the first of 7 consecutive A bases (chr7:151,572,718-151,572,724); duplicating any one gives the same sequence. VCF-style (leftmost placement, unchanged base first): chr7-151572717-T-TA. GRCh37 (hg19) VCF-style: chr7-151269803-T-TA.
Other names: c.1006-9dupT (NM_016203.3); c.874-9dup (NM_001040633.2); c.631-9dup (NM_001304527.2); c.634-9dup (NM_001363698.2); c.283-9dup (NM_001304531.2, NM_024429.2).
Identifiers: ClinVar variation 918384 (VCV000918384.11), dbSNP rs775574266, ClinGen allele CA4577217.

ClinVar aggregate classification (germline): Benign/Likely benign. Review status: criteria provided, multiple submitters, no conflicts (2 of 4 stars). 3 submissions from 3 submitters: Benign (1); Likely benign (1). 1 of the submissions does not count toward it. Last evaluated 2025-06-29.

Conditions:
PRKAG2-related disorder. Also called: PRKAG2-related disorders; PRKAG2-related condition.
Cardiomyopathy (CMYO). Also called: Cardiomyopathies. Identifiers: Orphanet 167848, MedGen C0878544, MONDO:0004994, HP:0001638. Inheritance: Various modes of inheritance.
Lethal congenital glycogen storage disease of heart. Also called: GLYCOGEN STORAGE DISEASE OF HEART; PHOSPHORYLASE KINASE DEFICIENCY OF HEART. Identifiers: Orphanet 439854, MedGen C1849813, MONDO:0009867, OMIM 261740.

Submissions (3):

Labcorp Genetics (formerly Invitae), Labcorp
Classification: Benign for Lethal congenital glycogen storage disease of heart. Last evaluated: 2025-06-29. Review status: criteria provided, single submitter. Criteria: Invitae Variant Classification Sherloc (09022015). Collection method: clinical testing. Allele origin: germline.

Color Diagnostics, LLC DBA Color Health
Classification: Likely benign for Cardiomyopathy. Last evaluated: 2019-03-08. Review status: criteria provided, single submitter. Criteria: ACMG Guidelines, 2015. Collection method: clinical testing. Allele origin: germline.

PreventionGenetics, part of Exact Sciences
Classification: Likely benign for PRKAG2-related condition. Last evaluated: 2021-03-15. Review status: no assertion criteria provided. Collection method: clinical testing. Allele origin: germline. Not counted in ClinVar's aggregate classification.
Comment: This variant is classified as likely benign based on ACMG/AMP sequence variant interpretation guidelines (Richards et al. 2015 PMID: 25741868, with internal and published modifications).